The following is an entry in ClinVar:

ClinVar aggregate classification (germline): Pathogenic. Review status: criteria provided, multiple submitters, no conflicts (2 of 4 stars). 2 submissions from 2 submitters: Pathogenic (2). Last evaluated 2026-01-31.

Conditions:
Hereditary spastic paraplegia 11. Also called: SPASTIC PARAPLEGIA, AUTOSOMAL RECESSIVE, COMPLICATED, WITH THIN CORPUS CALLOSUM; SPASTIC PARAPLEGIA, AUTOSOMAL RECESSIVE, WITH MENTAL IMPAIRMENT AND THIN CORPUS CALLOSUM; Spastic Paraplegia 11; Nakamura Osame syndrome; Autosomal recessive hereditary spastic paraplegia, mental impairment, and thin corpus callosum; Spastic paraplegia, mental retardation and thin corpus callosum. Identifiers: Orphanet 2822, MedGen C1858479, MONDO:0011445, OMIM 604360.
Charcot-Marie-Tooth disease axonal type 2X. Also called: CHARCOT-MARIE-TOOTH DISEASE, AXONAL, AUTOSOMAL RECESSIVE, TYPE 2X; CHARCOT-MARIE-TOOTH NEUROPATHY, TYPE 2X. Identifiers: Orphanet 466775, MedGen C5569024, MONDO:0014726, OMIM 616668.
Amyotrophic lateral sclerosis type 5 (ALS5). Also called: AMYOTROPHIC LATERAL SCLEROSIS 5, JUVENILE. Identifiers: Orphanet 300605, MedGen C1865864, MONDO:0011196, OMIM 602099.

Submissions (2):

Labcorp Genetics (formerly Invitae), Labcorp
Classification: Pathogenic for Hereditary spastic paraplegia 11. Last evaluated: 2026-01-31. Review status: criteria provided, single submitter. Criteria: Invitae Variant Classification Sherloc (09022015). Collection method: clinical testing. Allele origin: germline.
Comment: This sequence change creates a premature translational stop signal (p.Gln2287*) in the SPG11 gene. It is expected to result in an absent or disrupted protein product. Loss-of-function variants in SPG11 are known to be pathogenic (PMID: 19105190, 20110243, 22154821, 26556829). This variant is not present in population databases (gnomAD no frequency). This premature translational stop signal has been observed in individual(s) with hereditary spastic paraplegia (PMID: 24315199). In at least one individual the data is consistent with being in trans (on the opposite chromosome) from a pathogenic variant. ClinVar contains an entry for this variant (Variation ID: 3577135). For these reasons, this variant has been classified as Pathogenic.

Fulgent Genetics
Classification: Pathogenic for Amyotrophic lateral sclerosis type 5; Hereditary spastic paraplegia 11; Charcot-Marie-Tooth disease axonal type 2X. Last evaluated: 2024-01-30. Review status: criteria provided, single submitter. Criteria: ACMG Guidelines, 2015. Collection method: clinical testing. Allele origin: germline.

Literature cited by the submitters: PubMed 19105190 (cited by Labcorp Genetics (formerly Invitae), Labcorp); PubMed 20110243 (cited by Labcorp Genetics (formerly Invitae), Labcorp); PubMed 22154821 (cited by Labcorp Genetics (formerly Invitae), Labcorp); PubMed 26556829 (cited by Labcorp Genetics (formerly Invitae), Labcorp); PubMed 24315199 (cited by Labcorp Genetics (formerly Invitae), Labcorp).

NM_025137.4(SPG11):c.6859C>T (p.Gln2287Ter)

Gene: SPG11 (SPG11 vesicle trafficking associated, spatacsin; minus strand). Cytogenetic location: 15q21.1.
Variant type: single nucleotide variant.
Coding change: c.6859C>T on transcript NM_025137.4 (MANE Select); coding-DNA position 6859, C replaced by T.
Protein change: p.Gln2287Ter; replaces glutamine 2287 with a stop codon.
Molecular consequence: nonsense.
Genome position (GRCh38, 1-based): chr15:44,565,994, G>A on the plus strand (C>T on the coding strand, the complement: SPG11 is on the minus strand). VCF-style: chr15-44565994-G-A. GRCh37 (hg19) VCF-style: chr15-44858192-G-A.
Other names: c.6520C>T, p.Gln2174Ter (NM_001160227.2); c.6715C>T, p.Gln2239Ter (NM_001411132.1); short protein forms Q2287*, Q2174*, Q2239*.
Identifiers: ClinVar variation 3577135 (VCV003577135.2).